The following is an entry in ClinVar:

NM_001018005.2(TPM1):c.240+4389A>C

Genes: TPM1-AS (TPM1 antisense RNA; minus strand), TPM1 (tropomyosin 1; plus strand), LOC130057222 (ATAC-STARR-seq lymphoblastoid silent region 6507; plus strand). Cytogenetic location: 15q22.2.
Variant type: single nucleotide variant.
Coding change: c.240+4389A>C on transcript NM_001018005.2 (MANE Select); 4389 bases into the intron after coding-DNA position 240, A replaced by C.
Molecular consequence: intron variant. On other transcripts: non-coding transcript variant (1), 5 prime UTR variant (8).
Genome position (GRCh38, 1-based): chr15:63,048,541, A>C. VCF-style: chr15-63048541-A-C. GRCh37 (hg19) VCF-style: chr15-63340740-A-C.
Other names: c.-35A>C (NM_001018008.2, NM_001301289.2, NM_001330344.2 and 5 more transcripts); c.366+4389A>C (NM_001365778.1); c.240+4710A>C (NM_001018020.2, NM_001018007.2, NM_001301244.2); c.240+4389A>C (NM_001018006.2, NM_001365776.1, NM_001018004.2 and 3 more transcripts).
Identifiers: ClinVar variation 382288 (VCV000382288.1), dbSNP rs756805858, ClinGen allele CA028288.

ClinVar aggregate classification (germline): Likely benign (1 of 4 stars; one submission).

Allele frequency attached by ClinVar (database versions not stated): gnomAD below 0.00001 and 0.00001; gnomAD exomes 0.00008; ExAC 0.00032.
gnomAD v4.1: 41 of 1,513,284 alleles (0.0027%); highest among the groups gnomAD compares: South Asian, 0.046%; no homozygotes.

Submission:

GeneDx
Classification: Likely benign. Last evaluated: 2015-12-14. Review status: criteria provided, single submitter. Criteria: GeneDx Variant Classification (06012015). Collection method: clinical testing. Allele origin: germline. Affected: yes.
Comment: This variant is considered likely benign or benign based on one or more of the following criteria: it is a conservative change, it occurs at a poorly conserved position in the protein, it is predicted to be benign by multiple in silico algorithms, and/or has population frequency not consistent with disease.